The following is an entry in ClinVar:

NM_003227.4(TFR2):c.1206C>A (p.Asn402Lys)

Gene: TFR2 (transferrin receptor 2; minus strand). Cytogenetic location: 7q22.1.
Variant type: single nucleotide variant.
Coding change: c.1206C>A on transcript NM_003227.4 (MANE Select); coding-DNA position 1206, C replaced by A.
Protein change: p.Asn402Lys; replaces asparagine 402 with lysine.
Molecular consequence: missense variant.
Genome position (GRCh38, 1-based): chr7:100,630,953, G>T on the plus strand (C>A on the coding strand, the complement: TFR2 is on the minus strand). VCF-style: chr7-100630953-G-T. GRCh37 (hg19) VCF-style: chr7-100228576-G-T.
Other names: c.693C>A, p.Asn231Lys (NM_001206855.3); short protein forms N231K, N402K.
Identifiers: ClinVar variation 912005 (VCV000912005.6), dbSNP rs144917130, ClinGen allele CA4386528.

ClinVar aggregate classification (germline): Conflicting classifications of pathogenicity. Review status: criteria provided, conflicting classifications (1 of 4 stars). 3 submissions from 3 submitters: Uncertain significance (2); Benign (1). Last evaluated 2025-12-22.

Conditions:
TFR2-related disorder. Also called: TFR2-related condition.
Hereditary hemochromatosis (HFE). Identifiers: MedGen C0392514, MONDO:0006507. Disease mechanism: loss of function.
Hemochromatosis type 3 (HFE3). Also called: Hereditary hemochromatosis type 3; HEMOCHROMATOSIS DUE TO DEFECT IN TRANSFERRIN RECEPTOR 2; TFR2-Related Hemochromatosis. Identifiers: Orphanet 225123, MedGen C1858664, MONDO:0011417, OMIM 604250.

Allele frequency attached by ClinVar (database versions not stated): TOPMed 0.00006; 1000 Genomes Project 30x 0.00047; 1000 Genomes Project 0.00060.
gnomAD v4.1: 352 of 1,613,114 alleles (0.022%); highest among the groups gnomAD compares: East Asian, 0.62%; 4 homozygotes.

Submissions (3):

PreventionGenetics, part of Exact Sciences
Classification: Uncertain significance for TFR2-related condition. Last evaluated: 2025-12-22. Review status: criteria provided, single submitter. Criteria: ACMG Guidelines, 2015. Collection method: clinical testing. Allele origin: germline.
Comment: The TFR2 c.1206C>A variant is predicted to result in the amino acid substitution p.Asn402Lys. This variant was reported in the heterozygous state in an individual with diabetes mellitus, mild liver damage and severe iron overload (Yamashita et al. 2014. PubMed ID: 26183747). This variant is reported in 0.045% of alleles in individuals of East Asian descent in gnomAD. At this time, the clinical significance of this variant is uncertain due to the absence of conclusive functional and genetic evidence.

Labcorp Genetics (formerly Invitae), Labcorp
Classification: Uncertain significance for Hereditary hemochromatosis. Last evaluated: 2022-04-28. Review status: criteria provided, single submitter. Criteria: Invitae Variant Classification Sherloc (09022015). Collection method: clinical testing. Allele origin: germline.
Comment: This sequence change replaces asparagine, which is neutral and polar, with lysine, which is basic and polar, at codon 402 of the TFR2 protein (p.Asn402Lys). This variant is present in population databases (rs144917130, gnomAD 0.05%). This missense change has been observed in individual(s) with hereditary hemochromatosis (PMID: 26183747). ClinVar contains an entry for this variant (Variation ID: 912005). Algorithms developed to predict the effect of missense changes on protein structure and function (SIFT, PolyPhen-2, Align-GVGD) all suggest that this variant is likely to be tolerated. In summary, the available evidence is currently insufficient to determine the role of this variant in disease. Therefore, it has been classified as a Variant of Uncertain Significance.

Illumina Laboratory Services, Illumina
Classification: Benign for Hemochromatosis type 3. Last evaluated: 2017-09-26. Review status: criteria provided, single submitter. Criteria: ICSL Variant Classification Criteria 13 December 2019. Collection method: clinical testing. Allele origin: germline.
Comment: This variant was observed as part of a predisposition screen in an ostensibly healthy population. A literature search was performed for the gene, cDNA change, and amino acid change (where applicable). Publications were found based on this search. The evidence from the literature, in combination with allele frequency data from public databases where available, was sufficient to rule this variant out of causing disease. Therefore, this variant is classified as benign.

Literature cited by the submitters: PubMed 26183747 (cited by Labcorp Genetics (formerly Invitae), Labcorp and Illumina Laboratory Services, Illumina).